The following is an entry in ClinVar:

NM_000388.4(CASR):c.1679C>A (p.Thr560Asn)

Gene: CASR (calcium sensing receptor; plus strand). Cytogenetic location: 3q21.1.
Variant type: single nucleotide variant.
Coding change: c.1679C>A on transcript NM_000388.4 (MANE Select); coding-DNA position 1679, C replaced by A.
Protein change: p.Thr560Asn; replaces threonine 560 with asparagine.
Molecular consequence: missense variant.
Genome position (GRCh38, 1-based): chr3:122,282,183, C>A. VCF-style: chr3-122282183-C-A. GRCh37 (hg19) VCF-style: chr3-122001030-C-A.
Other names: c.1709C>A, p.Thr570Asn (NM_001178065.2); short protein forms T560N, T570N.
Identifiers: ClinVar variation 1406026 (VCV001406026.8), dbSNP rs768820665, ClinGen allele CA354156255.

ClinVar aggregate classification (germline): Uncertain significance (1 of 4 stars; one submission).

Conditions:
Familial hypocalciuric hypercalcemia (FHH). Also called: Familial benign hypercalcemia. Identifiers: Orphanet 405, MedGen C1809471, MONDO:0018458.
Autosomal dominant hypocalcemia 1 (HYPOC1). Also called: HYPOCALCEMIA, FAMILIAL. Identifiers: MedGen C3715128, MONDO:0011013, OMIM 601198.

Submission:

Labcorp Genetics (formerly Invitae), Labcorp
Classification: Uncertain significance for Familial hypocalciuric hypercalcemia; Autosomal dominant hypocalcemia 1. Last evaluated: 2025-03-31. Review status: criteria provided, single submitter. Criteria: Invitae Variant Classification Sherloc (09022015). Collection method: clinical testing. Allele origin: germline.
Comment: This sequence change replaces threonine, which is neutral and polar, with asparagine, which is neutral and polar, at codon 560 of the CASR protein (p.Thr560Asn). This variant is not present in population databases (gnomAD no frequency). This variant has not been reported in the literature in individuals affected with CASR-related conditions. ClinVar contains an entry for this variant (Variation ID: 1406026). An algorithm developed to predict the effect of missense changes on protein structure and function (PolyPhen-2) suggests that this variant is likely to be disruptive. In summary, the available evidence is currently insufficient to determine the role of this variant in disease. Therefore, it has been classified as a Variant of Uncertain Significance.